The following is an entry in ClinVar:

NM_000051.4(ATM):c.6095+5A>G

Genes: ATM (ATM serine/threonine kinase; plus strand), C11orf65 (chromosome 11 open reading frame 65; minus strand). Cytogenetic location: 11q22.3.
Variant type: single nucleotide variant.
Coding change: c.6095+5A>G on transcript NM_000051.4 (MANE Select); 5 bases into the intron after coding-DNA position 6095, A replaced by G.
Molecular consequence: intron variant.
Genome position (GRCh38, 1-based): chr11:108,315,916, A>G. VCF-style: chr11-108315916-A-G. GRCh37 (hg19) VCF-style: chr11-108186643-A-G.
Other names: c.6095+5A>G (NM_001351834.2); c.641-6845T>C (NM_001330368.2); c.*39-6845T>C (NM_001351110.2).
Identifiers: ClinVar variation 302253 (VCV000302253.25), dbSNP rs757328753, ClinGen allele CA10629783.

ClinVar aggregate classification (germline): Conflicting classifications of pathogenicity. Review status: criteria provided, conflicting classifications (1 of 4 stars). 5 submissions from 5 submitters: Uncertain significance (3); Likely benign (2). Last evaluated 2025-12-10.

Conditions:
Hereditary cancer-predisposing syndrome. Also called: Neoplastic Syndromes, Hereditary; Hereditary neoplastic syndrome; Tumor predisposition; Hereditary Cancer Syndrome. Identifiers: Orphanet 140162, MedGen C0027672, MeSH D009386, MONDO:0015356.
Familial cancer of breast. Also called: hereditary breast carcinoma; Hereditary breast cancer; BREAST CANCER, FAMILIAL. Identifiers: Orphanet 227535, MedGen C0346153, MONDO:0016419, OMIM 114480. Disease mechanism: loss of function.
Ataxia-telangiectasia syndrome (AT). Also called: Ataxia telangiectasia (A-T); Cerebello-oculocutaneous telangiectasia; Immunodeficiency with ataxia telangiectasia; LOUIS-BAR SYNDROME; AT, COMPLEMENTATION GROUP C; ATAXIA-TELANGIECTASIA, FRESNO VARIANT. Identifiers: Orphanet 100, MedGen C0004135, MONDO:0008840, OMIM 208900.

Allele frequency attached by ClinVar (database versions not stated): gnomAD exomes 0.00001; gnomAD 0.00001.
gnomAD v4.1: 15 of 1,610,242 alleles (0.00093%); highest among the groups gnomAD compares: African/African-American, 0.0013%; no homozygotes.

Submissions (5):

Labcorp Genetics (formerly Invitae), Labcorp
Classification: Uncertain significance for Ataxia-telangiectasia syndrome. Last evaluated: 2025-12-10. Review status: criteria provided, single submitter. Criteria: Invitae Variant Classification Sherloc (09022015). Collection method: clinical testing. Allele origin: germline.
Comment: This sequence change falls in intron 41 of the ATM gene. It does not directly change the encoded amino acid sequence of the ATM protein. It affects a nucleotide within the consensus splice site. This variant is not present in population databases (gnomAD no frequency). This variant has not been reported in the literature in individuals affected with ATM-related conditions. ClinVar contains an entry for this variant (Variation ID: 302253). Variants that disrupt the consensus splice site are a relatively common cause of aberrant splicing (PMID: 17576681, 9536098). Algorithms developed to predict the effect of sequence changes on RNA splicing suggest that this variant is not likely to affect RNA splicing. In summary, the available evidence is currently insufficient to determine the role of this variant in disease. Therefore, it has been classified as a Variant of Uncertain Significance.

Myriad Genetics, Inc.
Classification: Likely benign for Familial cancer of breast. Last evaluated: 2024-05-30. Review status: criteria provided, single submitter. Criteria: Myriad Autosomal Dominant, Autosomal Recessive and X-Linked Classification Criteria (2023). Collection method: clinical testing. Allele origin: unknown.
Comment: This variant is considered likely benign. This variant is intronic and is not expected to impact mRNA splicing.

Ambry Genetics
Classification: Likely benign for Hereditary cancer-predisposing syndrome. Last evaluated: 2019-10-28. Review status: criteria provided, single submitter. Criteria: Ambry Variant Classification Scheme 2023. Collection method: clinical testing. Allele origin: germline.

Color Diagnostics, LLC DBA Color Health
Classification: Uncertain significance for Hereditary cancer-predisposing syndrome. Last evaluated: 2019-09-30. Review status: criteria provided, single submitter. Criteria: ACMG Guidelines, 2015. Collection method: clinical testing. Allele origin: germline.
Comment: This variant causes an A>G nucleotide substitution at the +5 position of intron 41 of the ATM gene. To our knowledge, functional studies have not been performed for this variant. This variant has not been reported in individuals affected with hereditary cancer in the literature. This variant has not been identified in the general population by the Genome Aggregation Database (gnomAD). The available evidence is insufficient to determine the role of this variant in disease conclusively. Therefore, this variant is classified as a Variant of Uncertain Significance.

Illumina Laboratory Services, Illumina
Classification: Uncertain significance for Ataxia-telangiectasia syndrome. Last evaluated: 2018-01-12. Review status: criteria provided, single submitter. Criteria: ICSL Variant Classification Criteria 13 December 2019. Collection method: clinical testing. Allele origin: germline.

Literature cited by the submitters: PubMed 17576681 (cited by Labcorp Genetics (formerly Invitae), Labcorp); PubMed 9536098 (cited by Labcorp Genetics (formerly Invitae), Labcorp).